The following is an entry in ClinVar:

NM_001282225.2(ADA2):c.1505A>G (p.Asp502Gly)

Gene: ADA2 (adenosine deaminase 2; minus strand). Cytogenetic location: 22q11.1.
Variant type: single nucleotide variant.
Coding change: c.1505A>G on transcript NM_001282225.2 (MANE Select); coding-DNA position 1505, A replaced by G.
Protein change: p.Asp502Gly; replaces aspartic acid 502 with glycine.
Molecular consequence: missense variant.
Genome position (GRCh38, 1-based): chr22:17,181,514, T>C on the plus strand (A>G on the coding strand, the complement: ADA2 is on the minus strand). VCF-style: chr22-17181514-T-C. GRCh37 (hg19) VCF-style: chr22-17662404-T-C.
Other names: c.1505A>G, p.Asp502Gly (NM_001282226.2); c.1379A>G, p.Asp460Gly (NM_001282227.2, NM_001282228.2); c.1145A>G, p.Asp382Gly (NM_001282229.2); c.782A>G, p.Asp261Gly (NM_177405.3); short protein forms D261G, D382G, D460G, D502G.
Identifiers: ClinVar variation 4531812 (VCV004531812.1).

ClinVar aggregate classification (germline): Likely pathogenic (1 of 4 stars; one submission).

Conditions:
Deficiency of adenosine deaminase 2. Also called: Polyarteritis nodosa, childhoood-onset; Adenosine Deaminase 2 Deficiency; VASCULITIS, AUTOINFLAMMATION, IMMUNODEFICIENCY, AND HEMATOLOGIC DEFECTS SYNDROME. Identifiers: Orphanet 404553, MedGen C3887654, MONDO:0014306, OMIM 615688, MONDO:0100317.

gnomAD v4.1: 4 of 1,613,412 alleles (0.00025%); highest among the groups gnomAD compares: South Asian, 0.0011%; no homozygotes.

Submission:

Victorian Clinical Genetics Services, Murdoch Childrens Research Institute
Classification: Likely pathogenic. Last evaluated: 2025-10-07. Review status: criteria provided, single submitter. Criteria: ACMG Guidelines, 2015. Collection method: clinical testing. Allele origin: germline. Affected: yes.
Comment: This variant is classified as Likely pathogenic. Evidence in support of pathogenic classification: Variant is present in gnomAD <0.01 for a recessive condition (v4: 4 heterozygote(s), 0 homozygote(s)); Clinically accredited laboratory assay specific to gene product shows abnormal protein function. ADA2 testing showed markedly reduced levels (external testing). Additional information: Variant is predicted to result in a missense amino acid change from aspartic acid to glycine. RNA-seq performed in a research setting suggests that this variant may result in aberrant splicing, however, further testing is required to confirm this finding (PeterMac); This variant is homozygous; This gene is associated with autosomal recessive disease; This variant has no previous evidence of pathogenicity; No published segregation evidence has been identified for this variant; No comparable missense variants have previous evidence for pathogenicity; Variant is not located in an established domain, motif, hotspot or informative constraint region; Missense variant with inconclusive in silico prediction and uninformative conservation; Loss of function is a known mechanism of disease in this gene and is associated with deficiency of adenosine deaminase 2 (MONDO:0100317); Variants in this gene are known to have variable expressivity, with intrafamilial variability reported (PMID: 24552285); Inheritance information for this variant is not currently available in this individual.

Literature cited by the submitters: PubMed 24552285.